The following is an entry in ClinVar:

NM_002076.4(GNS):c.1459C>T (p.Gln487Ter)

Gene: GNS (glucosamine (N-acetyl)-6-sulfatase; minus strand). Cytogenetic location: 12q14.3.
Variant type: single nucleotide variant.
Coding change: c.1459C>T on transcript NM_002076.4 (MANE Select); coding-DNA position 1459, C replaced by T.
Protein change: p.Gln487Ter; replaces glutamine 487 with a stop codon.
Molecular consequence: nonsense.
Genome position (GRCh38, 1-based): chr12:64,720,143, G>A on the plus strand (C>T on the coding strand, the complement: GNS is on the minus strand). VCF-style: chr12-64720143-G-A. GRCh37 (hg19) VCF-style: chr12-65113923-G-A.
Other names: short protein forms Q487*.
Identifiers: ClinVar variation 1360836 (VCV001360836.6), dbSNP rs2136236619, ClinGen allele CA385601023.

ClinVar aggregate classification (germline): Pathogenic (1 of 4 stars; one submission).

Conditions:
Mucopolysaccharidosis, MPS-III-D (MPS3D). Also called: Mucopoly-saccharidosis type 3D; N-acetylglucosamine-6-sulfate sulfatase deficiency; MPS 3D; MPS IIID (Sanfilippo Syndrome Type D); MUCOPOLYSACCHARIDOSIS, TYPE IIID; N-ACETYLGLUCOSAMINE-6-SULFATASE DEFICIENCY. Identifiers: Orphanet 581, Orphanet 79272, MedGen C0086650, MONDO:0009658, OMIM 252940.

Submission:

Labcorp Genetics (formerly Invitae), Labcorp
Classification: Pathogenic for Mucopolysaccharidosis, MPS-III-D. Last evaluated: 2021-02-01. Review status: criteria provided, single submitter. Criteria: Invitae Variant Classification Sherloc (09022015). Collection method: clinical testing. Allele origin: germline.
Comment: For these reasons, this variant has been classified as Pathogenic. This variant has not been reported in the literature in individuals with GNS-related conditions. This variant is not present in population databases (ExAC no frequency). This sequence change creates a premature translational stop signal (p.Gln487*) in the GNS gene. It is expected to result in an absent or disrupted protein product. Loss-of-function variants in GNS are known to be pathogenic (PMID: 20232353).

Literature cited by the submitters: PubMed 20232353.